The following is an entry in ClinVar:

ClinVar aggregate classification (germline): Uncertain significance (1 of 4 stars; one submission).

Submission:

GeneDx
Classification: Uncertain significance. Last evaluated: 2020-02-10. Review status: criteria provided, single submitter. Criteria: GeneDx Variant Classification Process June 2021. Collection method: clinical testing. Allele origin: germline. Affected: yes.
Comment: Not observed in large population cohorts (Lek et al., 2016); In silico analysis supports that this missense variant does not alter protein structure/function; Has not been previously published as pathogenic or benign to our knowledge

NM_001242896.3(DEPDC5):c.3421A>G (p.Thr1141Ala)

Gene: DEPDC5 (DEP domain containing 5, GATOR1 subcomplex subunit; plus strand). Cytogenetic location: 22q12.3.
Variant type: single nucleotide variant.
Coding change: c.3421A>G on transcript NM_001242896.3 (MANE Select); coding-DNA position 3421, A replaced by G.
Protein change: p.Thr1141Ala; replaces threonine 1141 with alanine.
Molecular consequence: missense variant. On other transcripts: non-coding transcript variant (5).
Genome position (GRCh38, 1-based): chr22:31,870,680, A>G. VCF-style: chr22-31870680-A-G. GRCh37 (hg19) VCF-style: chr22-32266666-A-G.
Other names: c.3394A>G, p.Thr1132Ala (NM_001136029.4); c.3121A>G, p.Thr1041Ala (NM_001242897.2); c.3355A>G, p.Thr1119Ala (NM_001363852.2, NM_001364320.2); c.3187A>G, p.Thr1063Ala (NM_001363854.2, NM_001364319.2); c.3421A>G, p.Thr1141Ala (NM_001364318.2); c.3337A>G, p.Thr1113Ala (NM_001369901.1, NM_001369902.1); c.3328A>G, p.Thr1110Ala (NM_001369903.1, NM_014662.6); short protein forms T1041A, T1063A, T1110A, T1113A, T1119A, T1132A, T1141A.
Identifiers: ClinVar variation 1315290 (VCV001315290.2), dbSNP rs2149231231, ClinGen allele CA411296717.